The following is an entry in ClinVar:

NM_000059.4(BRCA2):c.8590_8592del (p.Ala2864del)

Gene: BRCA2 (BRCA2 DNA repair associated; plus strand). Cytogenetic location: 13q13.1.
Variant type: Deletion.
Coding change: c.8590_8592del on transcript NM_000059.4 (MANE Select); coding-DNA positions 8590 to 8592, 3 bases deleted (GCC; older notation c.8590_8592delGCC).
Protein change: p.Ala2864del; deletes alanine 2864.
Molecular consequence: inframe deletion.
Genome position (GRCh38, 1-based): chr13:32,371,058-32,371,060, GCC deleted. VCF-style (leftmost placement, unchanged base first): chr13-32371057-AGCC-A. GRCh37 (hg19) VCF-style: chr13-32945194-AGCC-A.
Other names: c.8590_8592delGCC (NM_000059.3); short protein forms A2864del.
Identifiers: ClinVar variation 462485 (VCV000462485.15), dbSNP rs1555287779, ClinGen allele CA658656384.

ClinVar aggregate classification (germline): Uncertain significance. Review status: criteria provided, multiple submitters, no conflicts (2 of 4 stars). 3 submissions from 3 submitters: Uncertain significance (3). Last evaluated 2025-12-17.

Conditions:
Hereditary breast ovarian cancer syndrome. Also called: Hereditary breast and ovarian cancer syndrome (HBOC); Hereditary breast and ovarian cancer syndrome; Breast and ovarian cancer; Hereditary breast and/or ovarian cancer syndrome; Hereditary breast and ovarian cancer; BRCA1- and BRCA2-Associated Hereditary Breast and Ovarian Cancer. Identifiers: Orphanet 145, MedGen C0677776, MeSH D061325, MONDO:0003582. Disease mechanism: loss of function.
Hereditary cancer-predisposing syndrome. Also called: Neoplastic Syndromes, Hereditary; Hereditary Cancer Syndrome; Hereditary neoplastic syndrome; Tumor predisposition. Identifiers: Orphanet 140162, MedGen C0027672, MeSH D009386, MONDO:0015356.

Allele frequency attached by ClinVar (database versions not stated): gnomAD exomes below 0.00001; TOPMed 0.00001.

Submissions (3):

Labcorp Genetics (formerly Invitae), Labcorp
Classification: Uncertain significance for Hereditary breast ovarian cancer syndrome. Last evaluated: 2025-12-17. Review status: criteria provided, single submitter. Criteria: Invitae Variant Classification Sherloc (09022015). Collection method: clinical testing. Allele origin: germline.
Comment: This variant, c.8590_8592del, results in the deletion of 1 amino acid(s) of the BRCA2 protein (p.Ala2864del), but otherwise preserves the integrity of the reading frame. This variant is not present in population databases (gnomAD no frequency). This variant has not been reported in the literature in individuals affected with BRCA2-related conditions. ClinVar contains an entry for this variant (Variation ID: 462485). Experimental studies and prediction algorithms are not available or were not evaluated, and the functional significance of this variant is currently unknown. In summary, the available evidence is currently insufficient to determine the role of this variant in disease. Therefore, it has been classified as a Variant of Uncertain Significance.

Ambry Genetics
Classification: Uncertain significance for Hereditary cancer-predisposing syndrome. Last evaluated: 2024-05-15. Review status: criteria provided, single submitter. Criteria: Ambry Variant Classification Scheme 2023. Collection method: clinical testing. Allele origin: germline.
Comment: The c.8590_8592delGCC variant (also known as p.A2864del) is located in coding exon 19 of the BRCA2 gene. This variant results from an in-frame deletion of 3 nucleotides at positions 8590 to 8592. This results in the in-frame deletion of an alanine residue at codon 2864. This variant was detected in 0/143 with breast cancer and 1/382 with ovarian cancer from Peru (Ferreyra Y et al. Front Oncol, 2023 Aug;13:1227864). This amino acid position is not well conserved in available vertebrate species. Based on the available evidence, the clinical significance of this variant remains unclear.

Color Diagnostics, LLC DBA Color Health
Classification: Uncertain significance for Hereditary cancer-predisposing syndrome. Last evaluated: 2019-04-15. Review status: criteria provided, single submitter. Criteria: ACMG Guidelines, 2015. Collection method: clinical testing. Allele origin: germline.

Literature cited by the submitters: PubMed 37664050 (cited by Ambry Genetics).